The following is an entry in ClinVar:

NM_003906.5(MCM3AP):c.5033T>C (p.Leu1678Pro)

Genes: MCM3AP (minichromosome maintenance complex component 3 associated protein; minus strand), MCM3AP-AS1 (MCM3AP antisense RNA 1; plus strand). Cytogenetic location: 21q22.3.
Variant type: single nucleotide variant.
Coding change: c.5033T>C on transcript NM_003906.5 (MANE Select); coding-DNA position 5033, T replaced by C.
Protein change: p.Leu1678Pro; replaces leucine 1678 with proline.
Molecular consequence: missense variant.
Genome position (GRCh38, 1-based): chr21:46,244,812, A>G on the plus strand (T>C on the coding strand, the complement: MCM3AP is on the minus strand). VCF-style: chr21-46244812-A-G. GRCh37 (hg19) VCF-style: chr21-47664726-A-G.
Other names: short protein forms L1678P.
Identifiers: ClinVar variation 1481759 (VCV001481759.6), dbSNP rs1360693678, ClinGen allele CA410542470.

ClinVar aggregate classification (germline): Uncertain significance (1 of 4 stars; one submission).

Allele frequency attached by ClinVar (database versions not stated): gnomAD exomes below 0.00001; gnomAD 0.00001.
gnomAD v4.1: 2 of 1,611,524 alleles (0.00012%); highest among the groups gnomAD compares: South Asian, 0.0011%; no homozygotes.

Submission:

Labcorp Genetics (formerly Invitae), Labcorp
Classification: Uncertain significance. Last evaluated: 2021-10-27. Review status: criteria provided, single submitter. Criteria: Invitae Variant Classification Sherloc (09022015). Collection method: clinical testing. Allele origin: germline.
Comment: In summary, the available evidence is currently insufficient to determine the role of this variant in disease. Therefore, it has been classified as a Variant of Uncertain Significance. Algorithms developed to predict the effect of missense changes on protein structure and function output the following: SIFT: "Tolerated"; PolyPhen-2: "Benign"; Align-GVGD: "Class C0". The proline amino acid residue is found in multiple mammalian species, which suggests that this missense change does not adversely affect protein function. This variant has not been reported in the literature in individuals affected with MCM3AP-related conditions. This variant is present in population databases (no rsID available, gnomAD 0.003%). This sequence change replaces leucine, which is neutral and non-polar, with proline, which is neutral and non-polar, at codon 1678 of the MCM3AP protein (p.Leu1678Pro).